The following is an entry in ClinVar:

ClinVar aggregate classification (germline): Benign/Likely benign. Review status: criteria provided, multiple submitters, no conflicts (2 of 4 stars). 6 submissions from 6 submitters: Benign (1); Likely benign (5). Last evaluated 2026-08-01.

Allele frequency attached by ClinVar (database versions not stated): 1000 Genomes Project 30x 0.00187; 1000 Genomes Project 0.00240; TOPMed 0.00413; gnomAD 0.00429 and 0.00438; ESP Exome Variant Server 0.00431; ExAC 0.00458; gnomAD exomes 0.00479 and 0.00615.
gnomAD v4.1: 9,647 of 1,613,344 alleles (0.6%); highest among the groups gnomAD compares: Middle Eastern, 3.7%; 48 homozygotes.

Submissions (6):

CeGaT Center for Human Genetics Tuebingen
Classification: Likely benign. Last evaluated: 2026-08-01. Review status: criteria provided, single submitter. Criteria: CeGaT Center For Human Genetics Tuebingen Variant Classification Criteria Version 2. Collection method: clinical testing. Allele origin: germline. Affected: yes. Observed: 61 variant alleles.
Comment: HK1: BP4, BP7, BS2

Labcorp Genetics (formerly Invitae), Labcorp
Classification: Benign. Last evaluated: 2026-01-26. Review status: criteria provided, single submitter. Criteria: Invitae Variant Classification Sherloc (09022015). Collection method: clinical testing. Allele origin: germline.

Mayo Clinic Laboratories, Mayo Clinic
Classification: Likely benign. Last evaluated: 2025-06-10. Review status: criteria provided, single submitter. Criteria: ACMG Guidelines, 2015. Collection method: clinical testing. Allele origin: germline. Observed: 51 variant alleles.

ARUP Laboratories, Molecular Genetics and Genomics, ARUP Laboratories
Classification: Likely benign. Last evaluated: 2025-06-05. Review status: criteria provided, single submitter. Criteria: ARUP Molecular Germline Variant Investigation Process 2024. Collection method: clinical testing. Allele origin: germline.

Blueprint Genetics
Classification: Likely benign. Last evaluated: 2024-11-25. Review status: criteria provided, single submitter. Criteria: ACMG Guidelines, 2015. Collection method: clinical testing. Allele origin: germline.

Breakthrough Genomics
Classification: Likely benign. Review status: criteria provided, single submitter. Criteria: ACMG Guidelines, 2015. Collection method: not provided. Allele origin: germline. Inheritance: Autosomal recessive inheritance. Affected: yes.

NM_000188.3(HK1):c.1515C>T (p.Asn505=)

Gene: HK1 (hexokinase 1; plus strand). Cytogenetic location: 10q22.1.
Variant type: single nucleotide variant.
Coding change: c.1515C>T on transcript NM_000188.3 (MANE Select); coding-DNA position 1515, C replaced by T.
Protein change: p.Asn505=; no amino-acid change (asparagine 505 retained).
Molecular consequence: synonymous variant.
Genome position (GRCh38, 1-based): chr10:69,382,736, C>T. VCF-style: chr10-69382736-C-T. GRCh37 (hg19) VCF-style: chr10-71142492-C-T.
Other names: p.Asn504=; c.1527C>T, p.Asn509= (NM_001322364.2, NM_001358263.1, NM_033497.3 and 1 more transcripts); c.1620C>T, p.Asn540= (NM_001322365.2); c.1431C>T, p.Asn477= (NM_001322366.1); c.1419C>T, p.Asn473= (NM_001322367.1); c.1512C>T, p.Asn504= (NM_033496.3); c.1479C>T, p.Asn493= (NM_033500.2); c.1512C>T (NM_033496.2).
Identifiers: ClinVar variation 786825 (VCV000786825.62), dbSNP rs140498607, ClinGen allele CA5532614.